The following is an entry in ClinVar:

NM_003001.5(SDHC):c.364T>C (p.Phe122Leu)

Gene: SDHC (succinate dehydrogenase complex subunit C; plus strand). Cytogenetic location: 1q23.3.
Variant type: single nucleotide variant.
Coding change: c.364T>C on transcript NM_003001.5 (MANE Select); coding-DNA position 364, T replaced by C.
Protein change: p.Phe122Leu; replaces phenylalanine 122 with leucine.
Molecular consequence: missense variant. On other transcripts: non-coding transcript variant (1), intron variant (3).
Genome position (GRCh38, 1-based): chr1:161,356,799, T>C. VCF-style: chr1-161356799-T-C. GRCh37 (hg19) VCF-style: chr1-161326589-T-C.
Other names: c.262T>C, p.Phe88Leu (NM_001035512.3); c.205T>C, p.Phe69Leu (NM_001035513.3); c.484T>C, p.Phe162Leu (NM_001407115.1); c.307T>C, p.Phe103Leu (NM_001407116.1); c.301T>C, p.Phe101Leu (NM_001407117.1); c.256T>C, p.Phe86Leu (NM_001407118.1); c.253T>C, p.Phe85Leu (NM_001407119.1, NM_001407120.1); c.242-5530T>C (NM_001035511.3); and 2 more; short protein forms F122L, F69L, F88L, F86L, F101L, F103L, F162L, F85L.
Identifiers: ClinVar variation 534371 (VCV000534371.7), dbSNP rs1553265808, ClinGen allele CA343456631.

ClinVar aggregate classification (germline): Uncertain significance (1 of 4 stars; one submission).

Conditions:
Pheochromocytoma/paraganglioma syndrome 3. Also called: GLOMUS TUMORS, FAMILIAL, 3; SDHC-Related Hereditary Paraganglioma-Pheochromocytoma Syndrome; Paragangliomas 3; SDHC-Related Hereditary Paraganglioma-Pheochromocytoma Syndrome (Paragangliomas 3). Identifiers: Orphanet 29072, MedGen C1854336, MONDO:0011544, OMIM 605373.
Gastrointestinal stromal tumor. Also called: Gastrointestinal stromal tumor, somatic; Gastrointestinal stroma tumor. Identifiers: Orphanet 44890, MedGen C0238198, MeSH D046152, MONDO:0011719, OMIM 606764, HP:0100723.

Submission:

Labcorp Genetics (formerly Invitae), Labcorp
Classification: Uncertain significance for Pheochromocytoma/paraganglioma syndrome 3; Gastrointestinal stromal tumor. Last evaluated: 2025-05-12. Review status: criteria provided, single submitter. Criteria: Invitae Variant Classification Sherloc (09022015). Collection method: clinical testing. Allele origin: germline.
Comment: This sequence change replaces phenylalanine, which is neutral and non-polar, with leucine, which is neutral and non-polar, at codon 122 of the SDHC protein (p.Phe122Leu). This variant is not present in population databases (gnomAD no frequency). This variant has not been reported in the literature in individuals affected with SDHC-related conditions. ClinVar contains an entry for this variant (Variation ID: 534371). An algorithm developed to predict the effect of missense changes on protein structure and function (PolyPhen-2) suggests that this variant is likely to be tolerated. In summary, the available evidence is currently insufficient to determine the role of this variant in disease. Therefore, it has been classified as a Variant of Uncertain Significance.